The following is an entry in ClinVar:

ClinVar aggregate classification (germline): Uncertain significance. Review status: criteria provided, multiple submitters, no conflicts (2 of 4 stars). 3 submissions from 3 submitters: Uncertain significance (2). 1 of the submissions does not count toward it. Last evaluated 2022-02-04.

Conditions:
Retinal dystrophy. Also called: Inherited retinal dystrophy. Identifiers: Orphanet 71862, MedGen C0854723, MeSH D058499, MONDO:0019118, HP:0000556.

Allele frequency attached by ClinVar (database versions not stated): gnomAD exomes below 0.00001; gnomAD 0.00001; TOPMed 0.00001.
gnomAD v4.1: 5 of 1,612,892 alleles (0.00031%); highest among the groups gnomAD compares: African/African-American, 0.0013%; no homozygotes.

Submissions (3):

Labcorp Genetics (formerly Invitae), Labcorp
Classification: Uncertain significance. Last evaluated: 2022-02-04. Review status: criteria provided, single submitter. Criteria: Invitae Variant Classification Sherloc (09022015). Collection method: clinical testing. Allele origin: germline.
Comment: This variant has not been reported in the literature in individuals affected with TUBGCP6-related conditions. This variant is not present in population databases (gnomAD no frequency). This sequence change replaces leucine, which is neutral and non-polar, with phenylalanine, which is neutral and non-polar, at codon 370 of the TUBGCP6 protein (p.Leu370Phe). ClinVar contains an entry for this variant (Variation ID: 961065). In summary, the available evidence is currently insufficient to determine the role of this variant in disease. Therefore, it has been classified as a Variant of Uncertain Significance. Algorithms developed to predict the effect of missense changes on protein structure and function output the following: SIFT: "Tolerated"; PolyPhen-2: "Benign"; Align-GVGD: "Class C0". The phenylalanine amino acid residue is found in multiple mammalian species, which suggests that this missense change does not adversely affect protein function.

Breakthrough Genomics
Classification: Uncertain significance. Review status: criteria provided, single submitter. Criteria: ACMG Guidelines, 2015. Collection method: not provided. Allele origin: germline. Inheritance: Autosomal dominant inheritance. Affected: yes.

Institute of Human Genetics, Univ. Regensburg, Univ. Regensburg
Classification: Uncertain significance for Retinal dystrophy. Last evaluated: 2022-01-01. Review status: no assertion criteria provided. Criteria: ACMG Guidelines, 2015. Collection method: clinical testing. Allele origin: germline. Affected: yes. Not counted in ClinVar's aggregate classification.

NM_020461.4(TUBGCP6):c.1108C>T (p.Leu370Phe)

Gene: TUBGCP6 (tubulin gamma complex component 6; minus strand). Cytogenetic location: 22q13.33.
Variant type: single nucleotide variant.
Coding change: c.1108C>T on transcript NM_020461.4 (MANE Select); coding-DNA position 1108, C replaced by T.
Protein change: p.Leu370Phe; replaces leucine 370 with phenylalanine.
Molecular consequence: missense variant.
Genome position (GRCh38, 1-based): chr22:50,233,324, G>A on the plus strand (C>T on the coding strand, the complement: TUBGCP6 is on the minus strand). VCF-style: chr22-50233324-G-A. GRCh37 (hg19) VCF-style: chr22-50671753-G-A.
Other names: short protein forms L370F.
Identifiers: ClinVar variation 961065 (VCV000961065.11), dbSNP rs1297233801, ClinGen allele CA412109634.
Genomic context (GRCh38, chr22:50,233,324, plus strand): 5'-TGGAGGGCAGGCCAGCCCCACACCACTGTGGCGGGGAGTGAGCAGTTCTCACCTGGCAGA[G>A]CGAAAACGTGGCAGACACGACCCCAATCAAGACGTTCAGCACGTCTTTCACCAGCTCGCA-3'
Protein context (NP_065194.3, residues 360-380): LIGVVSATFS[Leu370Phe]CQPAQAFVVK